The following is an entry in ClinVar:

NM_001347721.2(DYRK1A):c.850A>G (p.Ile284Val)

Gene: DYRK1A (dual specificity tyrosine phosphorylation regulated kinase 1A; plus strand). Cytogenetic location: 21q22.13.
Variant type: single nucleotide variant.
Coding change: c.850A>G on transcript NM_001347721.2 (MANE Select); coding-DNA position 850, A replaced by G.
Protein change: p.Ile284Val; replaces isoleucine 284 with valine.
Molecular consequence: missense variant.
Genome position (GRCh38, 1-based): chr21:37,490,387, A>G. VCF-style: chr21-37490387-A-G. GRCh37 (hg19) VCF-style: chr21-38862689-A-G.
Other names: c.850A>G, p.Ile284Val (NM_001347722.2, NM_130436.2); c.763A>G, p.Ile255Val (NM_001347723.2); c.877A>G, p.Ile293Val (NM_001396.5, NM_101395.2, NM_130438.2); short protein forms I255V, I284V, I293V.
Identifiers: ClinVar variation 1054713 (VCV001054713.11), dbSNP rs1384337682, ClinGen allele CA409947760.

ClinVar aggregate classification (germline): Uncertain significance (1 of 4 stars; one submission).

Conditions:
DYRK1A-related intellectual disability syndrome (MRD7). Also called: DYRK1A Syndrome; Intellectual developmental disorder, autosomal dominant 7. Identifiers: Orphanet 464306, MedGen C5568143, MONDO:0013578, OMIM 614104.

Allele frequency attached by ClinVar (database versions not stated): gnomAD exomes below 0.00001.
gnomAD v4.1: 1 of 1,613,680 alleles (0.000062%); highest among the groups gnomAD compares: South Asian, 0.0011%; no homozygotes.

Submission:

Labcorp Genetics (formerly Invitae), Labcorp
Classification: Uncertain significance for DYRK1A-related intellectual disability syndrome. Last evaluated: 2025-08-18. Review status: criteria provided, single submitter. Criteria: Invitae Variant Classification Sherloc (09022015). Collection method: clinical testing. Allele origin: germline.
Comment: This sequence change replaces isoleucine, which is neutral and non-polar, with valine, which is neutral and non-polar, at codon 293 of the DYRK1A protein (p.Ile293Val). This variant is present in population databases (no rsID available, gnomAD 0.003%). This variant has not been reported in the literature in individuals affected with DYRK1A-related conditions. ClinVar contains an entry for this variant (Variation ID: 1054713). Invitae Evidence Modeling of protein sequence and biophysical properties (such as structural, functional, and spatial information, amino acid conservation, physicochemical variation, residue mobility, and thermodynamic stability) indicates that this missense variant is not expected to disrupt DYRK1A protein function with a negative predictive value of 80%. In summary, the available evidence is currently insufficient to determine the role of this variant in disease. Therefore, it has been classified as a Variant of Uncertain Significance.